The following is an entry in ClinVar:

ClinVar aggregate classification (germline): Uncertain significance (1 of 4 stars; one submission).

Conditions:
Epilepsy. Also called: Seizure disorder. Identifiers: MedGen C0014544, MeSH D004827, MONDO:0005027.

Allele frequency attached by ClinVar (database versions not stated): ExAC 0.00001; gnomAD exomes 0.00001; gnomAD 0.00002; TOPMed 0.00003.
gnomAD v4.1: 25 of 1,605,020 alleles (0.0016%); highest among the groups gnomAD compares: Non-Finnish European, 0.002%; no homozygotes.

Submission:

Labcorp Genetics (formerly Invitae), Labcorp
Classification: Uncertain significance for Epilepsy. Last evaluated: 2021-11-08. Review status: criteria provided, single submitter. Criteria: Invitae Variant Classification Sherloc (09022015). Collection method: clinical testing. Allele origin: germline.
Comment: This sequence change replaces alanine, which is neutral and non-polar, with serine, which is neutral and polar, at codon 522 of the PIGQ protein (p.Ala522Ser). This variant is present in population databases (rs754210132, gnomAD 0.003%). This variant has not been reported in the literature in individuals affected with PIGQ-related conditions. Algorithms developed to predict the effect of missense changes on protein structure and function (SIFT, PolyPhen-2, Align-GVGD) all suggest that this variant is likely to be tolerated. In summary, the available evidence is currently insufficient to determine the role of this variant in disease. Therefore, it has been classified as a Variant of Uncertain Significance.

NM_004204.5(PIGQ):c.1564G>T (p.Ala522Ser)

Gene: PIGQ (phosphatidylinositol glycan anchor biosynthesis class Q; plus strand). Cytogenetic location: 16p13.3.
Variant type: single nucleotide variant.
Coding change: c.1564G>T on transcript NM_004204.5 (MANE Select); coding-DNA position 1564, G replaced by T.
Protein change: p.Ala522Ser; replaces alanine 522 with serine.
Molecular consequence: missense variant. On other transcripts: intron variant (1).
Genome position (GRCh38, 1-based): chr16:582,280, G>T. VCF-style: chr16-582280-G-T. GRCh37 (hg19) VCF-style: chr16-632280-G-T.
Other names: c.1532-603G>T (NM_148920.4); short protein forms A522S.
Identifiers: ClinVar variation 1356208 (VCV001356208.3), dbSNP rs754210132, ClinGen allele CA7780443.